The following is an entry in ClinVar:

ClinVar aggregate classification (germline): Pathogenic/Likely pathogenic. Review status: criteria provided, multiple submitters, no conflicts (2 of 4 stars). 2 submissions from 2 submitters: Pathogenic (1); Likely pathogenic (1). Last evaluated 2024-07-25.

Conditions:
Angelman syndrome (AS). Also called: HAPPY PUPPET SYNDROME. Identifiers: Orphanet 72, MedGen C0162635, MONDO:0007113, OMIM 105830. Disease mechanism: loss of function. Inheritance: imprinting disorder, AS is caused by disruption of maternally imprinted UBE3A located within the 15q11.2-q13 Angelman syndrome/Prader-Willi syndrome (AS/PWS) region..
Inborn genetic diseases. Identifiers: MedGen C0950123, MeSH D030342.

Submissions (2):

Ambry Genetics
Classification: Pathogenic for Inborn genetic diseases. Last evaluated: 2024-07-25. Review status: criteria provided, single submitter. Criteria: Ambry Variant Classification Scheme 2023. Collection method: clinical testing. Allele origin: germline.
Comment: The c.685dupA (p.I229Nfs*2) alteration, located in exon 3 (coding exon 3) of the UBE3A gene, consists of a duplication of A at position 685, causing a translational frameshift with a predicted alternate stop codon after 2 amino acids. This alteration is expected to result in loss of function by premature protein truncation or nonsense-mediated mRNA decay. This variant was not reported in population-based cohorts in the Genome Aggregation Database (gnomAD). This variant has been reported in an individual in an undiagnosed rare disease cohort but clinical details were limited (Pal, 2017). Based on the available evidence, this alteration is classified as pathogenic.

3billion
Classification: Likely pathogenic for Angelman syndrome. Last evaluated: 2023-12-02. Review status: criteria provided, single submitter. Criteria: ACMG Guidelines, 2015. Collection method: clinical testing. Allele origin: germline. Affected: yes.
Comment: The variant is not observed in the gnomAD v2.1.1 dataset. Predicted Consequence/Location: Frameshift: predicted to result in a loss or disruption of normal protein function through nonsense-mediated decay (NMD) or protein truncation. Multiple pathogenic variants are reported downstream of the variant. Therefore, this variant is classified as Likely pathogenic according to the recommendation of ACMG/AMP guideline.

Literature cited by the submitters: PubMed 28512736 (cited by Ambry Genetics).

NM_130839.5(UBE3A):c.745dup (p.Ile249fs)

Genes: SNHG14 (small nucleolar RNA host gene 14; plus strand), UBE3A (ubiquitin protein ligase E3A; minus strand). Cytogenetic location: 15q11.2.
Variant type: Duplication.
Coding change: c.745dup on transcript NM_130839.5 (MANE Select); coding-DNA position 745, one base duplicated (A; older notation c.745dupA).
Protein change: p.Ile249fs; shifts the reading frame from isoleucine 249.
Molecular consequence: frameshift variant. On other transcripts: non-coding transcript variant (1), intron variant (2).
Genome position (GRCh38, 1-based): chr15:25,371,429, T duplicated on the plus strand (A on the coding strand, the reverse complement: UBE3A is on the minus strand); the first of 6 consecutive T bases (chr15:25,371,429-25,371,434); duplicating any one gives the same sequence. VCF-style (leftmost placement, unchanged base first): chr15-25371428-A-AT. GRCh37 (hg19) VCF-style: chr15-25616575-A-AT.
Other names: c.685dup, p.Ile229fs (NM_001354523.2, NM_001354526.1, NM_001354539.2 and 17 more transcripts); c.745dup, p.Ile249fs (NM_001354538.2, NM_001354505.1, NM_001354545.2); c.754dup, p.Ile252fs (NM_000462.5); c.568dup, p.Ile190fs (NM_001354546.2); c.301+4036dup (NM_001354551.2); c.361+4036dup (NM_001354550.2); c.685dupA (NM_130838.1); short protein forms I249fs, I252fs, I190fs, I229fs.
Identifiers: ClinVar variation 3465127 (VCV003465127.2).